The following is an entry in ClinVar:

NM_001128.6(AP1G1):c.1589_1603del (p.Ile530_Ser534del)

Gene: AP1G1 (adaptor related protein complex 1 subunit gamma 1; minus strand). Cytogenetic location: 16q22.2.
Variant type: Deletion.
Coding change: c.1589_1603del on transcript NM_001128.6 (MANE Select); coding-DNA positions 1589 to 1603, 15 bases deleted (TTATGAAGCTTTCCA).
Protein change: p.Ile530_Ser534del.
Genome position (GRCh38, 1-based): chr16:71,748,273-71,748,287, TGGAAAGCTTCATAA deleted on the plus strand (TTATGAAGCTTTCCA on the coding strand, the reverse complement: AP1G1 is on the minus strand); deleting any 15 consecutive bases within chr16:71,748,273-71,748,290 gives the same sequence; the c. name uses the placement nearest the transcript's 3' end. VCF-style (leftmost placement, unchanged base first): chr16-71748272-GTGGAAAGCTTCATAA-G. GRCh37 (hg19) VCF-style: chr16-71782175-GTGGAAAGCTTCATAA-G.
Other names: c.1598_1612del, p.Ile533_Ser537del (NM_001030007.2).
Identifiers: ClinVar variation 3764115 (VCV003764115.1).
Genomic context (GRCh38, chr16:71,748,272, plus strand): 5'-CAAAACAACCTGTTCACCCTATGTTTCTTCAATACTCACTTTACAGTACAAGTGAATCGA[GTGGAAAGCTTCATAA>G]TGGCAGTGAGGGCATAACCTCGTGTCACAGAGGTGGACATATTAGAGATTAGGACACTTT-3'

ClinVar aggregate classification (germline): Uncertain significance (1 of 4 stars; one submission).

Submission:

GeneDx
Classification: Uncertain significance. Last evaluated: 2024-08-21. Review status: criteria provided, single submitter. Criteria: GeneDx Variant Classification Process June 2021. Collection method: clinical testing. Allele origin: germline. Affected: yes.
Comment: Not observed at significant frequency in large population cohorts (gnomAD); In-frame deletion of 5 amino acids in a non-repeat region; In silico analysis supports a deleterious effect on protein structure/function; Has not been previously published as pathogenic or benign to our knowledge